The following is an entry in ClinVar:

NM_006204.4(PDE6C):c.*209T>C

Gene: PDE6C (phosphodiesterase 6C; plus strand). Cytogenetic location: 10q23.33.
Variant type: single nucleotide variant.
Coding change: c.*209T>C on transcript NM_006204.4 (MANE Select); 209 bases downstream of the stop codon, T replaced by C.
Molecular consequence: 3 prime UTR variant.
Genome position (GRCh38, 1-based): chr10:93,665,627, T>C. VCF-style: chr10-93665627-T-C. GRCh37 (hg19) VCF-style: chr10-95425384-T-C.
Identifiers: ClinVar variation 301647 (VCV000301647.5), dbSNP rs530054025, ClinGen allele CA10632886.
Genomic context (GRCh38, chr10:93,665,627, plus strand): 5'-AAAATCCCAGGGGCAAAATAAAGTTCAACAAAAGTGCAAAATATGACAAAAATAGGTACA[T>C]TTTTGGTGCCAATTTATTTTAAATTAAAAAATATGCAATCCTGAAACTAGTCACAAATTC-3'

ClinVar aggregate classification (germline): Likely benign. Review status: criteria provided, single submitter (1 of 4 stars). 2 submissions from 1 submitter: Likely benign (2). Last evaluated 2018-01-12.

Conditions:
Achromatopsia. Also called: Rod monochromatism. Identifiers: Orphanet 49382, MedGen C0152200, MONDO:0018852, HP:0011516.
Cone dystrophy 4 (COD4). Identifiers: Orphanet 49382, MedGen C2751308, MONDO:0013129, OMIM 613093.

Allele frequency attached by ClinVar (database versions not stated): gnomAD 0.00006 and 0.00052; TOPMed 0.00010; 1000 Genomes Project 30x 0.00281; 1000 Genomes Project 0.00339.

Submissions (2):

Illumina Laboratory Services, Illumina
Classification: Likely benign for Cone dystrophy 4. Last evaluated: 2018-01-12. Review status: criteria provided, single submitter. Criteria: ICSL Variant Classification Criteria 13 December 2019. Collection method: clinical testing. Allele origin: germline.
Comment: This variant was observed in the ICSL laboratory as part of a predisposition screen in an ostensibly healthy population. It had not been previously curated by ICSL or reported in the Human Gene Mutation Database (HGMD: prior to June 1st, 2018), and was therefore a candidate for classification through an automated scoring system. Utilizing variant allele frequency, disease prevalence and penetrance estimates, and inheritance mode, an automated score was calculated to assess if this variant is too frequent to cause the disease. Based on the score and internal cut-off values, a variant classified as likely benign is not then subjected to further curation. The score for this variant resulted in a classification of likely benign for this disease.

Illumina Laboratory Services, Illumina
Classification: Likely benign for Achromatopsia. Last evaluated: 2018-01-12. Review status: criteria provided, single submitter. Criteria: ICSL Variant Classification Criteria 13 December 2019. Collection method: clinical testing. Allele origin: germline.
Comment: the same text as in the submission from Illumina Laboratory Services, Illumina above.